The following is an entry in ClinVar:

NC_000016.9:g.(?_8768473)_(8839956_8841964)dup

Gene: ABAT (4-aminobutyrate aminotransferase; plus strand). Cytogenetic location: 16p13.2.
Variant type: Duplication.
Identifiers: ClinVar variation 4853560 (VCV004853560.1).

ClinVar aggregate classification (germline): Uncertain significance (1 of 4 stars; one submission).

Submission:

Women's Health and Genetics/Laboratory Corporation of America, LabCorp
Classification: Uncertain significance. Last evaluated: 2026-05-05. Review status: criteria provided, single submitter. Criteria: LabCorp Variant Classification Summary - May 2015. Collection method: clinical testing. Allele origin: germline.
Comment: Variant summary: The variant involves the duplication of exons 1-3 in the ABAT gene. A presumed nomenclature of c.(?_-137)_(168+1_169-1)dup has been designated for the purposes of this classification. The exact breakpoint at the 5' end of this variant is unknown, therefore this duplication may extend upstream of the annotated region of this gene. It is predicted to duplicate a segment including the initiation codon, therefore its impact on the encoded protein is unknown. A duplications of exons 1-3 in the ABAT gene was found at a frequency of 4.6e-05 in 21694 control chromosomes. The available data on variant occurrences in the general population are insufficient to allow any conclusion about variant significance. To our knowledge, no occurrence of c.(?_-137)_(168+1_169-1)dup in individuals affected with ABAT-related conditions and no experimental evidence demonstrating its impact on protein function have been reported. No submitters have cited clinical-significance assessments for this variant to ClinVar. Based on the evidence outlined above, the variant was classified as uncertain significance.